The following is an entry in ClinVar:

NM_017654.4(SAMD9):c.632T>A (p.Val211Asp)

Gene: SAMD9 (sterile alpha motif domain containing 9; minus strand). Cytogenetic location: 7q21.2.
Variant type: single nucleotide variant.
Coding change: c.632T>A on transcript NM_017654.4 (MANE Select); coding-DNA position 632, T replaced by A.
Protein change: p.Val211Asp; replaces valine 211 with aspartic acid.
Molecular consequence: missense variant.
Genome position (GRCh38, 1-based): chr7:93,105,466, A>T on the plus strand (T>A on the coding strand, the complement: SAMD9 is on the minus strand). VCF-style: chr7-93105466-A-T. GRCh37 (hg19) VCF-style: chr7-92734779-A-T.
Other names: c.632T>A, p.Val211Asp (NM_001193307.2); c.632T>A (NM_017654.3); short protein forms V211D.
Identifiers: ClinVar variation 2171385 (VCV002171385.4), dbSNP rs1791621598, ClinGen allele CA368204394.
Genomic context (GRCh38, chr7:93,105,466, plus strand): 5'-GTACGTGAATTCATACAAGCTGAAGCAAATCGGAAAACCTCATTGCTAAATTTCATCTTG[A>T]CATCCTCTTCTGTGGCTGTTGCTGTATTTGTGAAGGCTTTGAATTCATGTATCGGATCAA-3'
Protein context (NP_060124.2, residues 201-221): TNTATATEED[Val211Asp]KMKFSNEVFR

ClinVar aggregate classification (germline): Uncertain significance. Review status: criteria provided, multiple submitters, no conflicts (2 of 4 stars). 3 submissions from 3 submitters: Uncertain significance (3). Last evaluated 2025-12-15.

Conditions:
Inborn genetic diseases. Identifiers: MedGen C0950123, MeSH D030342.

Allele frequency attached by ClinVar (database versions not stated): gnomAD exomes below 0.00001; gnomAD 0.00001.
gnomAD v4.1: 4 of 1,613,934 alleles (0.00025%); highest among the groups gnomAD compares: Admixed American, 0.0067%; no homozygotes.

Submissions (3):

Labcorp Genetics (formerly Invitae), Labcorp
Classification: Uncertain significance. Last evaluated: 2025-12-15. Review status: criteria provided, single submitter. Criteria: Invitae Variant Classification Sherloc (09022015). Collection method: clinical testing. Allele origin: germline.
Comment: This sequence change replaces valine, which is neutral and non-polar, with aspartic acid, which is acidic and polar, at codon 211 of the SAMD9 protein (p.Val211Asp). This variant is not present in population databases (gnomAD no frequency). This variant has not been reported in the literature in individuals affected with SAMD9-related conditions. ClinVar contains an entry for this variant (Variation ID: 2171385). Invitae Evidence Modeling of protein sequence and biophysical properties (such as structural, functional, and spatial information, amino acid conservation, physicochemical variation, residue mobility, and thermodynamic stability) indicates that this missense variant is not expected to disrupt SAMD9 protein function with a negative predictive value of 95%. In summary, the available evidence is currently insufficient to determine the role of this variant in disease. Therefore, it has been classified as a Variant of Uncertain Significance.

Ambry Genetics
Classification: Uncertain significance for Inborn genetic diseases. Last evaluated: 2024-12-16. Review status: criteria provided, single submitter. Criteria: Ambry Variant Classification Scheme 2023. Collection method: clinical testing. Allele origin: germline.
Comment: The p.V211D variant (also known as c.632T>A), located in coding exon 1 of the SAMD9 gene, results from a T to A substitution at nucleotide position 632. The valine at codon 211 is replaced by aspartic acid, an amino acid with highly dissimilar properties. This amino acid position is conserved. In addition, this alteration is predicted to be tolerated by in silico analysis. Based on the available evidence, the clinical significance of this variant remains unclear.

GeneDx
Classification: Uncertain significance. Last evaluated: 2024-07-08. Review status: criteria provided, single submitter. Criteria: GeneDx Variant Classification Process June 2021. Collection method: clinical testing. Allele origin: germline. Affected: yes.
Comment: Not observed at significant frequency in large population cohorts (gnomAD); In silico analysis supports that this missense variant has a deleterious effect on protein structure/function; Has not been previously published as pathogenic or benign to our knowledge; This variant is associated with the following publications: (PMID: 28545555)